The following is an entry in ClinVar:

ClinVar aggregate classification (germline): Pathogenic. Review status: criteria provided, multiple submitters, no conflicts (2 of 4 stars). 2 submissions from 2 submitters: Pathogenic (2). Last evaluated 2025-09-25.

Conditions:
Cardiovascular phenotype. Identifiers: MedGen CN230736.
Hereditary cancer-predisposing syndrome. Also called: Neoplastic Syndromes, Hereditary; Tumor predisposition; Hereditary Cancer Syndrome; Hereditary neoplastic syndrome. Identifiers: Orphanet 140162, MedGen C0027672, MeSH D009386, MONDO:0015356.
Neurofibromatosis, type 1 (NF1). Also called: VON RECKLINGHAUSEN DISEASE; NEUROFIBROMATOSIS, TYPE I, SOMATIC; Neurofibromatosis, type I; Peripheral type neurofibromatosis. Identifiers: Orphanet 636, MedGen C0027831, MONDO:0018975, OMIM 162200. Disease mechanism: loss of function.

Submissions (2):

NHS Central & South Genomic Laboratory Hub
Classification: Pathogenic for Neurofibromatosis type 1. Last evaluated: 2025-09-25. Review status: criteria provided, single submitter. Criteria: ACMG Guidelines, 2015. Collection method: clinical testing. Allele origin: germline. Affected: yes.

Ambry Genetics
Classification: Pathogenic for Cardiovascular phenotype; Hereditary cancer-predisposing syndrome. Last evaluated: 2021-07-01. Review status: criteria provided, single submitter. Criteria: Ambry Variant Classification Scheme 2023. Collection method: clinical testing. Allele origin: germline.
Comment: The p.Y1254* pathogenic mutation (also known as c.3762C>A), located in coding exon 28 of the NF1 gene, results from a C to A substitution at nucleotide position 3762. This changes the amino acid from a tyrosine to a stop codon within coding exon 28. This alteration has been identified in an individual with a clinical diagnosis of neurofibromatosis type 1 (NF1) (Wimmer K et al. Hum Mutat, 2007 Jun;28:599-612). In addition to the clinical data presented in the literature, this alteration is expected to result in loss of function by premature protein truncation or nonsense-mediated mRNA decay. As such, this alteration is interpreted as a disease-causing mutation.

NM_001042492.3(NF1):c.3762C>A (p.Tyr1254Ter)

Gene: NF1 (neurofibromin 1; plus strand). Cytogenetic location: 17q11.2.
Variant type: single nucleotide variant.
Coding change: c.3762C>A on transcript NM_001042492.3 (MANE Select); coding-DNA position 3762, C replaced by A.
Protein change: p.Tyr1254Ter; replaces tyrosine 1254 with a stop codon.
Molecular consequence: nonsense.
Genome position (GRCh38, 1-based): chr17:31,235,664, C>A. VCF-style: chr17-31235664-C-A. GRCh37 (hg19) VCF-style: chr17-29562682-C-A.
Other names: c.3762C>A, p.Tyr1254Ter (NM_000267.4); short protein forms Y1254*.
Identifiers: ClinVar variation 1734688 (VCV001734688.3), dbSNP rs2151437835, ClinGen allele CA398992506.